The following is an entry in ClinVar:

ClinVar aggregate classification (germline): Uncertain significance (1 of 4 stars; one submission).

Conditions:
Hereditary cancer-predisposing syndrome. Also called: Neoplastic Syndromes, Hereditary; Hereditary neoplastic syndrome; Tumor predisposition; Hereditary Cancer Syndrome. Identifiers: Orphanet 140162, MedGen C0027672, MeSH D009386, MONDO:0015356.

Submission:

Ambry Genetics
Classification: Uncertain significance for Hereditary cancer-predisposing syndrome. Last evaluated: 2022-12-12. Review status: criteria provided, single submitter. Criteria: Ambry Variant Classification Scheme 2023. Collection method: clinical testing. Allele origin: germline.
Comment: The p.R1523K variant (also known as c.4568G>A), located in coding exon 15 of the APC gene, results from a G to A substitution at nucleotide position 4568. The arginine at codon 1523 is replaced by lysine, an amino acid with highly similar properties. This amino acid position is conserved. In addition, in silico predictors for this gene do not accurately predict pathogenicity. Since supporting evidence is limited at this time, the clinical significance of this alteration remains unclear.

NM_000038.6(APC):c.4568G>A (p.Arg1523Lys)

Gene: APC (APC regulator of Wnt signaling pathway; plus strand). Cytogenetic location: 5q22.2.
Variant type: single nucleotide variant.
Coding change: c.4568G>A on transcript NM_000038.6 (MANE Select); coding-DNA position 4568, G replaced by A.
Protein change: p.Arg1523Lys; replaces arginine 1523 with lysine.
Molecular consequence: missense variant. On other transcripts: non-coding transcript variant (2).
Genome position (GRCh38, 1-based): chr5:112,840,162, G>A. VCF-style: chr5-112840162-G-A. GRCh37 (hg19) VCF-style: chr5-112175859-G-A.
Other names: c.4568G>A, p.Arg1523Lys (NM_001127510.3, NM_001354895.2, NM_001407450.1); c.4514G>A, p.Arg1505Lys (NM_001127511.3); c.4622G>A, p.Arg1541Lys (NM_001354896.2, NM_001407447.1, NM_001407448.1 and 1 more transcripts); c.4598G>A, p.Arg1533Lys (NM_001354897.2); c.4493G>A, p.Arg1498Lys (NM_001354898.2); c.4484G>A, p.Arg1495Lys (NM_001354899.2); c.4445G>A, p.Arg1482Lys (NM_001354900.2); c.4391G>A, p.Arg1464Lys (NM_001354901.2, NM_001407453.1); and 11 more; short protein forms R1139K, R1363K, R1422K, R1482K, R1541K, R1394K, R1432K, R1523K.
Identifiers: ClinVar variation 2485028 (VCV002485028.2), dbSNP rs1765711315, ClinGen allele CA16031332.